The following is an entry in ClinVar:

ClinVar aggregate classification (germline): Uncertain significance (1 of 4 stars; one submission).

Conditions:
Long QT syndrome (LQTS). Identifiers: MedGen C0023976, MeSH D008133, MONDO:0002442. Disease mechanism: loss of function. Inheritance: Various modes of inheritance.

Submission:

Labcorp Genetics (formerly Invitae), Labcorp
Classification: Uncertain significance for Long QT syndrome. Last evaluated: 2025-11-06. Review status: criteria provided, single submitter. Criteria: Invitae Variant Classification Sherloc (09022015). Collection method: clinical testing. Allele origin: germline.
Comment: This sequence change replaces glycine, which is neutral and non-polar, with serine, which is neutral and polar, at codon 66 of the SNTA1 protein (p.Gly66Ser). This variant is present in population databases (no rsID available, gnomAD 0.008%). This variant has not been reported in the literature in individuals affected with SNTA1-related conditions. An algorithm developed to predict the effect of missense changes on protein structure and function (PolyPhen-2) suggests that this variant is likely to be disruptive. In summary, the available evidence is currently insufficient to determine the role of this variant in disease. Therefore, it has been classified as a Variant of Uncertain Significance.

NM_003098.3(SNTA1):c.196G>A (p.Gly66Ser)

Gene: SNTA1 (syntrophin alpha 1; minus strand). Cytogenetic location: 20q11.21.
Variant type: single nucleotide variant.
Coding change: c.196G>A on transcript NM_003098.3 (MANE Select); coding-DNA position 196, G replaced by A.
Protein change: p.Gly66Ser; replaces glycine 66 with serine.
Molecular consequence: missense variant.
Genome position (GRCh38, 1-based): chr20:33,443,425, C>T on the plus strand (G>A on the coding strand, the complement: SNTA1 is on the minus strand). VCF-style: chr20-33443425-C-T. GRCh37 (hg19) VCF-style: chr20-32031231-C-T.
Other names: c.196G>A, p.Gly66Ser (NM_001424413.1, NM_001424414.1); short protein forms G66S.
Identifiers: ClinVar variation 4738900 (VCV004738900.1).